The following is an entry in ClinVar:

NM_000077.5(CDKN2A):c.468T>A (p.Asp156Glu)

Gene: CDKN2A (cyclin dependent kinase inhibitor 2A; minus strand). Cytogenetic location: 9p21.3.
Variant type: single nucleotide variant.
Coding change: c.468T>A on transcript NM_000077.5; coding-DNA position 468, T replaced by A.
Protein change: p.Asp156Glu; replaces aspartic acid 156 with glutamic acid.
Molecular consequence: missense variant (on NM_000077.6). On other transcripts: 3 prime UTR variant (3).
Genome position (GRCh38, 1-based): chr9:21,968,232, A>T on the plus strand (T>A on the coding strand, the complement: CDKN2A is on the minus strand). VCF-style: chr9-21968232-A-T. GRCh37 (hg19) VCF-style: chr9-21968231-A-T.
Other names: c.468T>A, p.Asp156Glu (NM_000077.6); c.*161T>A (NM_001195132.2); c.315T>A, p.Asp105Glu (NM_001363763.2); c.*112T>A (NM_058195.4); c.*391T>A (NM_058197.5); short protein forms D105E, D156E.
Identifiers: ClinVar variation 3660440 (VCV003660440.2).
Genomic context (GRCh38, chr9:21,968,232, plus strand): 5'-CCTTCGGTGACTGATGATCTAAGTTTCCCGAGGTTTCTCAGAGCCTCTCTGGTTCTTTCA[A>T]TCGGGGATGTCTGCAGAGGGCAGAAAGAAAACAGGCGTTAGAAACCTGAGGTCAAAGATG-3'
Protein context (NP_000068.1, residues 146-156): DAAEGPSDIP[Asp156Glu]

ClinVar aggregate classification (germline): Uncertain significance (1 of 4 stars; one submission).

Conditions:
Familial melanoma. Also called: Hereditary melanoma; Hereditary cutaneous melanoma. Identifiers: Orphanet 618, MedGen C1512419, MONDO:0018961.

Submission:

Labcorp Genetics (formerly Invitae), Labcorp
Classification: Uncertain significance for Familial melanoma. Last evaluated: 2024-07-24. Review status: criteria provided, single submitter. Criteria: Invitae Variant Classification Sherloc (09022015). Collection method: clinical testing. Allele origin: germline.
Comment: This sequence change replaces aspartic acid, which is acidic and polar, with glutamic acid, which is acidic and polar, at codon 156 of the CDKN2A (p16INK4a) protein (p.Asp156Glu). This variant is not present in population databases (gnomAD no frequency). This variant has not been reported in the literature in individuals affected with CDKN2A (p16INK4a)-related conditions. An algorithm developed to predict the effect of missense changes on protein structure and function (PolyPhen-2) suggests that this variant is likely to be tolerated. In summary, the available evidence is currently insufficient to determine the role of this variant in disease. Therefore, it has been classified as a Variant of Uncertain Significance.